The following is an entry in ClinVar:

ClinVar aggregate classification (germline): Uncertain significance (1 of 4 stars; one submission).

Conditions:
Primary ciliary dyskinesia. Also called: Ciliary dyskinesia. Identifiers: Orphanet 244, MedGen C0008780, MONDO:0016575, HP:0012265.

Allele frequency attached by ClinVar (database versions not stated): gnomAD exomes 0.00004; gnomAD 0.00013 and 0.00014; TOPMed 0.00022.
gnomAD v4.1: 31 of 1,530,696 alleles (0.002%); highest among the groups gnomAD compares: African/African-American, 0.036%; no homozygotes.

Submission:

Labcorp Genetics (formerly Invitae), Labcorp
Classification: Uncertain significance for Primary ciliary dyskinesia. Last evaluated: 2021-08-28. Review status: criteria provided, single submitter. Criteria: Invitae Variant Classification Sherloc (09022015). Collection method: clinical testing. Allele origin: germline.
Comment: This sequence change replaces alanine with serine at codon 101 of the MCIDAS protein (p.Ala101Ser). The alanine residue is highly conserved and there is a moderate physicochemical difference between alanine and serine. The frequency data for this variant in the population databases is considered unreliable, as metrics indicate insufficient coverage at this position in the ExAC database. This variant has not been reported in the literature in individuals affected with MCIDAS-related conditions. Algorithms developed to predict the effect of missense changes on protein structure and function (SIFT, PolyPhen-2, Align-GVGD) all suggest that this variant is likely to be tolerated. In summary, the available evidence is currently insufficient to determine the role of this variant in disease. Therefore, it has been classified as a Variant of Uncertain Significance.

NM_001190787.3(MCIDAS):c.301G>T (p.Ala101Ser)

Gene: MCIDAS (multiciliate differentiation and DNA synthesis associated cell cycle protein; minus strand). Cytogenetic location: 5q11.2.
Variant type: single nucleotide variant.
Coding change: c.301G>T on transcript NM_001190787.3 (MANE Select); coding-DNA position 301, G replaced by T.
Protein change: p.Ala101Ser; replaces alanine 101 with serine.
Molecular consequence: missense variant.
Genome position (GRCh38, 1-based): chr5:55,226,584, C>A on the plus strand (G>T on the coding strand, the complement: MCIDAS is on the minus strand). VCF-style: chr5-55226584-C-A. GRCh37 (hg19) VCF-style: chr5-54522412-C-A.
Other names: short protein forms A101S.
Identifiers: ClinVar variation 646843 (VCV000646843.3), dbSNP rs921264958, ClinGen allele CA118983342.